The following is an entry in ClinVar:

NM_003002.4(SDHD):c.280T>C (p.Ser94Pro)

Gene: SDHD (succinate dehydrogenase complex subunit D; plus strand). Cytogenetic location: 11q23.1.
Variant type: single nucleotide variant.
Coding change: c.280T>C on transcript NM_003002.4 (MANE Select); coding-DNA position 280, T replaced by C.
Protein change: p.Ser94Pro; replaces serine 94 with proline.
Molecular consequence: missense variant. On other transcripts: non-coding transcript variant (1), intron variant (1).
Genome position (GRCh38, 1-based): chr11:112,088,977, T>C. VCF-style: chr11-112088977-T-C. GRCh37 (hg19) VCF-style: chr11-111959701-T-C.
Other names: c.163T>C, p.Ser55Pro (NM_001276504.2); c.280T>C, p.Ser94Pro (NM_001276506.2); c.169+1004T>C (NM_001276503.2); short protein forms S55P, S94P.
Identifiers: ClinVar variation 5029370 (VCV005029370.1).

ClinVar aggregate classification (germline): Uncertain significance (1 of 4 stars; one submission).

Conditions:
Hereditary cancer-predisposing syndrome. Also called: Neoplastic Syndromes, Hereditary; Tumor predisposition; Hereditary neoplastic syndrome; Hereditary Cancer Syndrome. Identifiers: Orphanet 140162, MedGen C0027672, MeSH D009386, MONDO:0015356.

Submission:

Ambry Genetics
Classification: Uncertain significance for Hereditary cancer-predisposing syndrome. Last evaluated: 2026-07-06. Review status: criteria provided, single submitter. Criteria: Ambry Variant Classification Scheme 2023. Collection method: clinical testing. Allele origin: germline.
Comment: The p.S94P variant (also known as c.280T>C), located in coding exon 3 of the SDHD gene, results from a T to C substitution at nucleotide position 280. The serine at codon 94 is replaced by proline, an amino acid with similar properties. This amino acid position is conserved. In addition, this alteration is predicted to be deleterious by in silico analysis. Based on the available evidence, the clinical significance of this variant remains unclear.